The following is an entry in ClinVar:

NM_002087.4(GRN):c.1540G>A (p.Val514Met)

Gene: GRN (granulin precursor; plus strand). Cytogenetic location: 17q21.31.
Variant type: single nucleotide variant.
Coding change: c.1540G>A on transcript NM_002087.4 (MANE Select); coding-DNA position 1540, G replaced by A.
Protein change: p.Val514Met; replaces valine 514 with methionine.
Molecular consequence: missense variant.
Genome position (GRCh38, 1-based): chr17:44,352,467, G>A. VCF-style: chr17-44352467-G-A. GRCh37 (hg19) VCF-style: chr17-42429835-G-A.
Other names: c.1540G>A (NM_002087.3); short protein forms V514M.
Identifiers: ClinVar variation 587957 (VCV000587957.43), dbSNP rs142926942, ClinGen allele CA8602233.
Genomic context (GRCh38, chr17:44,352,467, plus strand): 5'-TCCTGCGAGAAGGAAGTGGTCTCTGCCCAGCCTGCCACCTTCCTGGCCCGTAGCCCTCAC[G>A]TGGGTGTGAAGGACGTGGAGTGTGGGGAAGGACACTTCTGCCATGATAACCAGACCTGCT-3'
Protein context (NP_002078.1, residues 504-524): PATFLARSPH[Val514Met]GVKDVECGEG

ClinVar aggregate classification (germline): Uncertain significance. Review status: criteria provided, multiple submitters, no conflicts (2 of 4 stars). 8 submissions from 8 submitters: Uncertain significance (8). Last evaluated 2025-10-19.

Conditions:
GRN-related disorder. Also called: GRN-related disorders; GRN-related condition.
GRN-related frontotemporal lobar degeneration with Tdp43 inclusions (FTD2). Also called: DEMENTIA, HEREDITARY DYSPHASIC DISINHIBITION; FRONTOTEMPORAL LOBAR DEGENERATION WITH UBIQUITIN-POSITIVE INCLUSIONS; FTLD-TDP, GRN-RELATED; GRN Frontotemporal Dementia; FRONTOTEMPORAL DEMENTIA WITH TDP43 INCLUSIONS, GRN-RELATED. Identifiers: Orphanet 100070, Orphanet 282, MedGen C1843792, MONDO:0011842, OMIM 607485. Disease mechanism: loss of function.
Neuronal ceroid lipofuscinosis 11. Also called: GRN-Related Neuronal Ceroid-Lipofuscinosis. Identifiers: Orphanet 314629, Orphanet 79262, MedGen C3539123, MONDO:0013866, OMIM 614706.
Inborn genetic diseases. Identifiers: MedGen C0950123, MeSH D030342.

Allele frequency attached by ClinVar (database versions not stated): ExAC 0.00004; gnomAD 0.00005; gnomAD exomes 0.00005 and 0.00018; TOPMed 0.00005; ESP Exome Variant Server 0.00031.

Submissions (8):

Labcorp Genetics (formerly Invitae), Labcorp
Classification: Uncertain significance for Neuronal ceroid lipofuscinosis 11; GRN-related frontotemporal lobar degeneration with Tdp43 inclusions. Last evaluated: 2025-10-19. Review status: criteria provided, single submitter. Criteria: Invitae Variant Classification Sherloc (09022015). Collection method: clinical testing. Allele origin: germline.
Comment: This sequence change replaces valine, which is neutral and non-polar, with methionine, which is neutral and non-polar, at codon 514 of the GRN protein (p.Val514Met). This variant is present in population databases (rs142926942, gnomAD 0.01%). This missense change has been observed in individual(s) with clinical features of GRN-related conditions (PMID: 18565828, 18838661, 22312439, 30279455). ClinVar contains an entry for this variant (Variation ID: 587957). Invitae Evidence Modeling of protein sequence and biophysical properties (such as structural, functional, and spatial information, amino acid conservation, physicochemical variation, residue mobility, and thermodynamic stability) indicates that this missense variant is not expected to disrupt GRN protein function with a negative predictive value of 80%. Experimental studies are conflicting or provide insufficient evidence to determine the effect of this variant on GRN function (PMID: 30279455). In summary, the available evidence is currently insufficient to determine the role of this variant in disease. Therefore, it has been classified as a Variant of Uncertain Significance.

PreventionGenetics, part of Exact Sciences
Classification: Uncertain significance for GRN-related condition. Last evaluated: 2025-04-11. Review status: criteria provided, single submitter. Criteria: ACMG Guidelines, 2015. Collection method: clinical testing. Allele origin: germline.
Comment: The GRN c.1540G>A variant is predicted to result in the amino acid substitution p.Val514Met. This variant was reported in an individual with Alzheimer disease with conflicting evidence for pathogenicity (Brouwers et al. 2008. PubMed ID: 18565828; Kleinberger et al. 2015. PubMed ID: 26811050). This variant is reported in 0.010% of alleles in individuals of European (Non-Finnish) descent in gnomAD. At this time, the clinical significance of this variant is uncertain due to the absence of conclusive functional and genetic evidence.

GeneDx
Classification: Uncertain significance. Last evaluated: 2024-02-14. Review status: criteria provided, single submitter. Criteria: GeneDx Variant Classification Process June 2021. Collection method: clinical testing. Allele origin: germline. Affected: yes.
Comment: Functional studies demonstrate that the V514M variant has no effect on the expression or secretion of progranulin or its ability to be processed by proteases (PMID: 26811050); In silico analysis supports that this missense variant does not alter protein structure/function; This variant is associated with the following publications: (PMID: 22312439, 18565828, 26811050, 18838661, 31617930, 24252647, 30279455)

Blueprint Genetics
Classification: Uncertain significance. Last evaluated: 2023-05-18. Review status: criteria provided, single submitter. Criteria: ACMG Guidelines, 2015. Collection method: clinical testing. Allele origin: germline.

CeGaT Center for Human Genetics Tuebingen
Classification: Uncertain significance. Last evaluated: 2022-10-01. Review status: criteria provided, single submitter. Criteria: CeGaT Center For Human Genetics Tuebingen Variant Classification Criteria Version 2. Collection method: clinical testing. Allele origin: germline. Affected: yes. Observed: 1 variant allele.
Comment: GRN: PM2, BP4

Fulgent Genetics
Classification: Uncertain significance for GRN-related frontotemporal lobar degeneration with Tdp43 inclusions; Neuronal ceroid lipofuscinosis 11. Last evaluated: 2022-04-18. Review status: criteria provided, single submitter. Criteria: ACMG Guidelines, 2015. Collection method: clinical testing. Allele origin: unknown.

Baylor Genetics
Classification: Uncertain significance for GRN-related frontotemporal lobar degeneration with Tdp43 inclusions. Last evaluated: 2019-08-06. Review status: criteria provided, single submitter. Criteria: ACMG Guidelines, 2015. Collection method: clinical testing. Allele origin: paternal. Affected: yes.
Comment: This variant was determined to be of uncertain significance according to ACMG Guidelines, 2015 [PMID:25741868].

Ambry Genetics
Classification: Uncertain significance for Inborn genetic diseases. Last evaluated: 2019-05-31. Review status: criteria provided, single submitter. Criteria: Ambry Variant Classification Scheme 2023. Collection method: clinical testing. Allele origin: germline.
Comment: The p.V514M variant (also known as c.1540G>A), located in coding exon 11 of the GRN gene, results from a G to A substitution at nucleotide position 1540. The valine at codon 514 is replaced by methionine, an amino acid with highly similar properties. This variant has been reported in individuals with Alzheimer and Parkinson disease but without a confirmed diagnosis of frontotemporal lobar degeneration (FTLD) (Brouwers N et al. Neurology. 2008;71:656-64; Nuytemans K et al. Neurology. 2008;71:1147-51). This alteration was also reported in one individual with early onset Alzheimer disease in a cohort of 3241 patients with dementia as compared to 13/141352 individuals in the gnomAD database (Koriath C et al. Mol. Psychiatry, 2018; [Epub ahead of print]). A functional study found this variant did not have a significant effect on GRN secretion (Kleinberger G et al. Neurobiol Aging. 2016;39:220.e17-26). This amino acid position is not well conserved in available vertebrate species. In addition, this alteration is predicted to be tolerated by in silico analysis. Since supporting evidence is limited at this time, the clinical significance of this alteration remains unclear.

Literature cited by the submitters: PubMed 18565828 (cited by Labcorp Genetics (formerly Invitae), Labcorp and Ambry Genetics); PubMed 18838661 (cited by Labcorp Genetics (formerly Invitae), Labcorp and Ambry Genetics); PubMed 22312439 (cited by Labcorp Genetics (formerly Invitae), Labcorp); PubMed 30279455 (cited by Labcorp Genetics (formerly Invitae), Labcorp and Ambry Genetics); PubMed 26811050 (cited by Ambry Genetics).